The following is an entry in ClinVar:

ClinVar aggregate classification (germline): Likely benign. Review status: criteria provided, multiple submitters, no conflicts (2 of 4 stars). 2 submissions from 2 submitters: Likely benign (2). Last evaluated 2026-07-06.

Conditions:
CACNA1D-related disorder.

Allele frequency attached by ClinVar (database versions not stated): gnomAD 0.00001.
gnomAD v4.1: 9 of 1,614,072 alleles (0.00056%); highest among the groups gnomAD compares: Admixed American, 0.015%; no homozygotes.

Submissions (2):

PreventionGenetics, part of Exact Sciences
Classification: Likely benign for CACNA1D-related condition. Last evaluated: 2026-07-06. Review status: criteria provided, single submitter. Criteria: ACMG Guidelines, 2015. Collection method: clinical testing. Allele origin: germline.
Comment: This variant is classified as likely benign based on ACMG/AMP sequence variant interpretation guidelines (Richards et al. 2015 PMID: 25741868, with internal and published modifications).

Labcorp Genetics (formerly Invitae), Labcorp
Classification: Likely benign. Last evaluated: 2025-02-27. Review status: criteria provided, single submitter. Criteria: Invitae Variant Classification Sherloc (09022015). Collection method: clinical testing. Allele origin: germline.

NM_001128840.3(CACNA1D):c.1806G>T (p.Thr602=)

Gene: CACNA1D (calcium voltage-gated channel subunit alpha1 D; plus strand). Cytogenetic location: 3p21.1.
Variant type: single nucleotide variant.
Coding change: c.1806G>T on transcript NM_001128840.3 (MANE Select); coding-DNA position 1806, G replaced by T.
Protein change: p.Thr602=; no amino-acid change (threonine 602 retained).
Molecular consequence: synonymous variant.
Genome position (GRCh38, 1-based): chr3:53,723,573, G>T. VCF-style: chr3-53723573-G-T. GRCh37 (hg19) VCF-style: chr3-53757600-G-T.
Other names: c.1866G>T, p.Thr622= (NM_000720.4); c.1806G>T, p.Thr602= (NM_001128839.3); c.1866G>T (NM_000720.3).
Identifiers: ClinVar variation 1652726 (VCV001652726.9), dbSNP rs753277894, ClinGen allele CA433895323.